The following is an entry in ClinVar:

NM_000089.4(COL1A2):c.2456G>A (p.Arg819His)

Gene: COL1A2 (collagen type I alpha 2 chain; plus strand). Cytogenetic location: 7q21.3.
Variant type: single nucleotide variant.
Coding change: c.2456G>A on transcript NM_000089.4 (MANE Select); coding-DNA position 2456, G replaced by A.
Protein change: p.Arg819His; replaces arginine 819 with histidine.
Molecular consequence: missense variant.
Genome position (GRCh38, 1-based): chr7:94,423,009, G>A. VCF-style: chr7-94423009-G-A. GRCh37 (hg19) VCF-style: chr7-94052321-G-A.
Other names: p.Arg819His; short protein forms R819H.
Identifiers: ClinVar variation 360962 (VCV000360962.38), dbSNP rs773985005, ClinGen allele CA4347450.

ClinVar aggregate classification (germline): Conflicting classifications of pathogenicity. Review status: criteria provided, conflicting classifications (1 of 4 stars). 10 submissions from 9 submitters: Uncertain significance (9); Likely benign (1). Last evaluated 2025-12-09.

Conditions:
Cardiovascular phenotype. Identifiers: MedGen CN230736.
Osteogenesis imperfecta type I (OI1). Also called: Osteogenesis imperfecta type 1; OI, TYPE I; OSTEOGENESIS IMPERFECTA TARDA; OSTEOGENESIS IMPERFECTA WITH BLUE SCLERAE; Lobstein disease; Lobstein's Disease. Identifiers: Orphanet 216796, Orphanet 666, MedGen C0023931, MONDO:0008146, OMIM 166200. Disease mechanism: loss of function.
Ehlers-Danlos syndrome, classic type, 1 (EDSCL1). Also called: EHLERS-DANLOS SYNDROME, GRAVIS TYPE; EHLERS-DANLOS SYNDROME, SEVERE CLASSIC TYPE; Ehlers-Danlos Syndrome, Classic Type, COL5A1-Related; EDS I; Ehlers-Danlos syndrome, type 1. Identifiers: MedGen C0268335, MONDO:0019567, OMIM 130000.
Osteogenesis imperfecta (OI). Identifiers: Orphanet 666, MedGen C0029434, MeSH D010013, MONDO:0019019.
Combined osteogenesis imperfecta and Ehlers-Danlos syndrome 2. Also called: OIEDS SYNDROME 2. Identifiers: MedGen C5436847, MONDO:0030855, OMIM 619120.
Ehlers-Danlos syndrome, arthrochalasia type, 2. Also called: EHLERS-DANLOS SYNDROME, TYPE VIIB, AUTOSOMAL DOMINANT. Identifiers: MedGen CN293783, MONDO:0040501, OMIM 617821.

Allele frequency attached by ClinVar (database versions not stated): ExAC 0.00007; gnomAD 0.00008 and 0.00009; gnomAD exomes 0.00008 and 0.00015; TOPMed 0.00012.
gnomAD v4.1: 222 of 1,613,894 alleles (0.014%); highest among the groups gnomAD compares: East Asian, 0.02%; no homozygotes.

Submissions (10):

Labcorp Genetics (formerly Invitae), Labcorp
Classification: Uncertain significance for Osteogenesis imperfecta type I; Ehlers-Danlos syndrome, classic type, 1. Last evaluated: 2025-12-09. Review status: criteria provided, single submitter. Criteria: Invitae Variant Classification Sherloc (09022015). Collection method: clinical testing. Allele origin: germline.
Comment: This sequence change replaces arginine, which is basic and polar, with histidine, which is basic and polar, at codon 819 of the COL1A2 protein (p.Arg819His). This variant is present in population databases (rs773985005, gnomAD 0.02%). This missense change has been observed in individual(s) with aortic dissection and/or osteogenesis imperfecta (PMID: 25944380, 34422331, 37270749). ClinVar contains an entry for this variant (Variation ID: 360962). Invitae Evidence Modeling of protein sequence and biophysical properties (such as structural, functional, and spatial information, amino acid conservation, physicochemical variation, residue mobility, and thermodynamic stability) has been performed for this missense variant. However, the output from this modeling did not meet the statistical confidence thresholds required to predict the impact of this variant on COL1A2 protein function. In summary, the available evidence is currently insufficient to determine the role of this variant in disease. Therefore, it has been classified as a Variant of Uncertain Significance.

Women's Health and Genetics/Laboratory Corporation of America, LabCorp
Classification: Uncertain significance. Last evaluated: 2025-07-31. Review status: criteria provided, single submitter. Criteria: LabCorp Variant Classification Summary - May 2015. Collection method: clinical testing. Allele origin: germline.
Comment: Variant summary: COL1A2 c.2456G>A (p.Arg819His) results in a non-conservative amino acid change in the encoded protein sequence. Algorithms developed to predict the effect of missense changes on protein structure and function all suggest that this variant is likely to be disruptive. The variant allele was found at a frequency of 8e-05 in 251442 control chromosomes. This frequency is not significantly higher than estimated for a pathogenic variant in COL1A2 causing Ehlers-Danlos syndrome, cardiac valvular type (8e-05 vs 0.0011), allowing no conclusion about variant significance. c.2456G>A or a similar variant resulting in the same amino acid change have been observed in individuals affected with osetogenesis imperfecta (e.g., Lin_2024, Lindahl_2015) or in individuals affected with Stanford type A aortic dissection without strong evidence for causality (e.g, Chen_2021). These report(s) do not provide unequivocal conclusions about association of the variant with Ehlers-Danlos syndrome, cardiac valvular type. To our knowledge, no experimental evidence demonstrating an impact on protein function has been reported. The following publications have been ascertained in the context of this evaluation (PMID: 34422331, 37270749, 25944380). ClinVar contains an entry for this variant (Variation ID: 360962). Based on the evidence outlined above, the variant was classified as uncertain significance.

Mayo Clinic Laboratories, Mayo Clinic
Classification: Uncertain significance. Last evaluated: 2025-02-03. Review status: criteria provided, single submitter. Criteria: ACMG Guidelines, 2015. Collection method: clinical testing. Allele origin: germline. Observed: 2 variant alleles.
Comment: BS1

CeGaT Center for Human Genetics Tuebingen
Classification: Uncertain significance. Last evaluated: 2024-08-01. Review status: criteria provided, single submitter. Criteria: CeGaT Center For Human Genetics Tuebingen Variant Classification Criteria Version 2. Collection method: clinical testing. Allele origin: germline. Affected: yes. Observed: 1 variant allele.
Comment: COL1A2: PM2

Revvity Omics, Revvity
Classification: Uncertain significance. Last evaluated: 2023-09-28. Review status: criteria provided, single submitter. Criteria: ACMG Guidelines, 2015. Collection method: clinical testing. Allele origin: germline.

Ambry Genetics
Classification: Uncertain significance for Cardiovascular phenotype. Last evaluated: 2023-04-20. Review status: criteria provided, single submitter. Criteria: Ambry Variant Classification Scheme 2023. Collection method: clinical testing. Allele origin: germline.
Comment: The p.R819H variant (also known as c.2456G>A), located in coding exon 40 of the COL1A2 gene, results from a G to A substitution at nucleotide position 2456. The arginine at codon 819 is replaced by histidine, an amino acid with highly similar properties. This variant was identified in an individual with osteogenesis imperfecta, however additional variants were identified and clinical details were limited (Lindahl K et al. Eur J Hum Genet, 2015 Aug;23:1042-50). This alteration has also been reported in a ostensibly healthy control (Chen ZR et al. J Thorac Dis, 2021 Jul;13:4008-4022). This amino acid position is well conserved in available vertebrate species. In addition, the in silico prediction for this alteration is inconclusive. Since supporting evidence is limited at this time, the clinical significance of this alteration remains unclear.

GeneDx
Classification: Uncertain significance. Last evaluated: 2023-03-21. Review status: criteria provided, single submitter. Criteria: GeneDx Variant Classification Process June 2021. Collection method: clinical testing. Allele origin: germline. Affected: yes.
Comment: Has been reported in two patients with thoracic aortic aneurysm disease (TAAD) (Chen et al., 2021); Occurs in the triple helical domain at the Y position in the canonical Gly-X-Y repeat; although this variant may have an effect on normal protein folding and function, missense substitution at the Y position is not a common mechanism of disease (HGMD); In silico analysis supports that this missense variant does not alter protein structure/function; This variant is associated with the following publications: (PMID: 34422331)

Institute of Human Genetics, University of Leipzig Medical Center
Classification: Uncertain significance for Combined osteogenesis imperfecta and Ehlers-Danlos syndrome 2. Last evaluated: 2019-01-01. Review status: criteria provided, single submitter. Criteria: ACMG Guidelines, 2015. Collection method: clinical testing. Allele origin: germline. Affected: yes.

Illumina Laboratory Services, Illumina
Classification: Likely benign for Ehlers-Danlos syndrome, arthrochalasia type, 2. Last evaluated: 2018-01-13. Review status: criteria provided, single submitter. Criteria: ICSL Variant Classification Criteria 13 December 2019. Collection method: clinical testing. Allele origin: germline.
Comment: This variant was observed in the ICSL laboratory as part of a predisposition screen in an ostensibly healthy population. It had not been previously curated by ICSL or reported in the Human Gene Mutation Database (HGMD: prior to June 1st, 2018), and was therefore a candidate for classification through an automated scoring system. Utilizing variant allele frequency, disease prevalence and penetrance estimates, and inheritance mode, an automated score was calculated to assess if this variant is too frequent to cause the disease. Based on the score and internal cut-off values, a variant classified as likely benign is not then subjected to further curation. The score for this variant resulted in a classification of likely benign for this disease.

Illumina Laboratory Services, Illumina
Classification: Uncertain significance for Osteogenesis imperfecta. Last evaluated: 2018-01-13. Review status: criteria provided, single submitter. Criteria: ICSL Variant Classification Criteria 13 December 2019. Collection method: clinical testing. Allele origin: germline.

Literature cited by the submitters: PubMed 25944380 (cited by 4 submitters); PubMed 34422331 (cited by 4 submitters); PubMed 37270749 (cited by 3 submitters).